The following is an entry in ClinVar:

ClinVar aggregate classification (germline): Conflicting classifications of pathogenicity. Review status: criteria provided, conflicting classifications (1 of 4 stars). 13 submissions from 9 submitters: Uncertain significance (4); Benign (5); Likely benign (4). Last evaluated 2026-02-01.

Conditions:
TTN-related disorder. Also called: TTN-related condition; TTN-related disease; TTN-related disorders.
Cardiovascular phenotype. Identifiers: MedGen CN230736.
Dilated cardiomyopathy 1G (CMD1G). Identifiers: Orphanet 154, MedGen C1858763, MONDO:0011400, OMIM 604145.
Autosomal recessive limb-girdle muscular dystrophy type 2J (LGMDR10). Also called: Limb-girdle muscular dystrophy, type 2J; MUSCULAR DYSTROPHY, LIMB-GIRDLE, AUTOSOMAL RECESSIVE 10. Identifiers: Orphanet 140922, MedGen C1837342, MONDO:0012127, OMIM 608807.
Early-onset myopathy with fatal cardiomyopathy (CMYO5). Also called: Salih Myopathy; CONGENITAL MYOPATHY 5 WITH CARDIOMYOPATHY. Identifiers: Orphanet 289377, MedGen C2673677, MONDO:0012714, OMIM 611705. Disease mechanism: loss of function.
Myopathy, myofibrillar, 9, with early respiratory failure (MFM9). Also called: Myopathy, distal, with early respiratory failure, autosomal dominant; MYOPATHY, PROXIMAL, WITH EARLY RESPIRATORY MUSCLE INVOLVEMENT; Hereditary myopathy with early respiratory failure; EDSTROM MYOPATHY. Identifiers: Orphanet 178464, Orphanet 34521, MedGen C1863599, MONDO:0011362, OMIM 603689.
Tibial muscular dystrophy (TMD). Also called: Tibial muscular dystrophy, tardive; Udd Distal Myopathy – Tibial Muscular Dystrophy; UDD MYOPATHY. Identifiers: Orphanet 609, MedGen C1838244, MONDO:0010870, OMIM 600334.

Allele frequency attached by ClinVar (database versions not stated): TOPMed 0.00013; gnomAD 0.00014 and 0.00025; gnomAD exomes 0.00031 and 0.00042; ExAC 0.00056; 1000 Genomes Project 30x 0.00078; 1000 Genomes Project 0.00080.
gnomAD v4.1: 492 of 1,613,542 alleles (0.03%); highest among the groups gnomAD compares: East Asian, 1%; 3 homozygotes.

Submissions (13):

Labcorp Genetics (formerly Invitae), Labcorp
Classification: Benign for Dilated cardiomyopathy 1G; Autosomal recessive limb-girdle muscular dystrophy type 2J. Last evaluated: 2026-02-01. Review status: criteria provided, single submitter. Criteria: Invitae Variant Classification Sherloc (09022015). Collection method: clinical testing. Allele origin: germline.

PreventionGenetics, part of Exact Sciences
Classification: Likely benign for TTN-related condition. Last evaluated: 2025-09-04. Review status: criteria provided, single submitter. Criteria: ACMG Guidelines, 2015. Collection method: clinical testing. Allele origin: germline.
Comment: This variant is classified as likely benign based on ACMG/AMP sequence variant interpretation guidelines (Richards et al. 2015 PMID: 25741868, with internal and published modifications).

Blueprint Genetics
Classification: Likely benign. Last evaluated: 2024-11-08. Review status: criteria provided, single submitter. Criteria: ACMG Guidelines, 2015. Collection method: clinical testing. Allele origin: germline.

Women's Health and Genetics/Laboratory Corporation of America, LabCorp
Classification: Likely benign. Last evaluated: 2022-07-02. Review status: criteria provided, single submitter. Criteria: LabCorp Variant Classification Summary - May 2015. Collection method: clinical testing. Allele origin: germline.

GeneDx
Classification: Likely benign. Last evaluated: 2020-02-27. Review status: criteria provided, single submitter. Criteria: GeneDx Variant Classification Process June 2021. Collection method: clinical testing. Allele origin: germline. Affected: yes.
Comment: This variant is associated with the following publications: (PMID: 28771489, 28991257)

Illumina Laboratory Services, Illumina
Classification: Uncertain significance for Early-onset myopathy with fatal cardiomyopathy. Last evaluated: 2018-01-12. Review status: criteria provided, single submitter. Criteria: ICSL Variant Classification Criteria 13 December 2019. Collection method: clinical testing. Allele origin: germline.

Illumina Laboratory Services, Illumina
Classification: Benign for Myopathy, myofibrillar, 9, with early respiratory failure. Last evaluated: 2018-01-12. Review status: criteria provided, single submitter. Criteria: ICSL Variant Classification Criteria 13 December 2019. Collection method: clinical testing. Allele origin: germline.
Comment: This variant was observed in the ICSL laboratory as part of a predisposition screen in an ostensibly healthy population. It had not been previously curated by ICSL or reported in the Human Gene Mutation Database (HGMD: prior to June 1st, 2018), and was therefore a candidate for classification through an automated scoring system. Utilizing variant allele frequency, disease prevalence and penetrance estimates, and inheritance mode, an automated score was calculated to assess if this variant is too frequent to cause the disease. Based on the score and internal cut-off values, a variant classified as benign is not then subjected to further curation. The score for this variant resulted in a classification of benign for this disease.

Illumina Laboratory Services, Illumina
Classification: Benign for Tibial muscular dystrophy. Last evaluated: 2018-01-12. Review status: criteria provided, single submitter. Criteria: ICSL Variant Classification Criteria 13 December 2019. Collection method: clinical testing. Allele origin: germline.
Comment: the same text as in the submission from Illumina Laboratory Services, Illumina above.

Illumina Laboratory Services, Illumina
Classification: Uncertain significance for Autosomal recessive limb-girdle muscular dystrophy type 2J. Last evaluated: 2018-01-12. Review status: criteria provided, single submitter. Criteria: ICSL Variant Classification Criteria 13 December 2019. Collection method: clinical testing. Allele origin: germline.

Illumina Laboratory Services, Illumina
Classification: Uncertain significance for Dilated cardiomyopathy 1G. Last evaluated: 2018-01-12. Review status: criteria provided, single submitter. Criteria: ICSL Variant Classification Criteria 13 December 2019. Collection method: clinical testing. Allele origin: germline.

Ambry Genetics
Classification: Benign for Cardiovascular phenotype. Last evaluated: 2017-04-28. Review status: criteria provided, single submitter. Criteria: Ambry Variant Classification Scheme 2023. Collection method: clinical testing. Allele origin: germline.

Eurofins Ntd Llc (ga)
Classification: Benign. Last evaluated: 2017-01-25. Review status: criteria provided, single submitter. Criteria: EGL Classification Definitions 2015. Collection method: clinical testing. Allele origin: germline. Observed: 2 variant alleles, 2 heterozygotes.

Genetic Services Laboratory, University of Chicago
Classification: Uncertain significance. Last evaluated: 2016-06-01. Review status: criteria provided, single submitter. Criteria: ACMG Guidelines, 2015. Collection method: clinical testing. Allele origin: germline. Affected: no.

NM_001267550.2(TTN):c.59282A>G (p.Asn19761Ser)

Genes: TTN-AS1 (TTN antisense RNA 1; plus strand), TTN (titin; minus strand). Cytogenetic location: 2q31.2.
Variant type: single nucleotide variant.
Coding change: c.59282A>G on transcript NM_001267550.2 (MANE Select); coding-DNA position 59282, A replaced by G.
Protein change: p.Asn19761Ser; replaces asparagine 19761 with serine.
Molecular consequence: missense variant.
Genome position (GRCh38, 1-based): chr2:178,592,837, T>C on the plus strand (A>G on the coding strand, the complement: TTN is on the minus strand). VCF-style: chr2-178592837-T-C. GRCh37 (hg19) VCF-style: chr2-179457564-T-C.
Other names: p.N18120S:AAT>AGT; c.54359A>G, p.Asn18120Ser (NM_001256850.1); c.32087A>G, p.Asn10696Ser (NM_003319.4); c.51578A>G, p.Asn17193Ser (NM_133378.4); c.32462A>G, p.Asn10821Ser (NM_133432.3); c.32663A>G, p.Asn10888Ser (NM_133437.4); short protein forms N18120S, N19761S, N17193S, N10696S, N10821S, N10888S.
Identifiers: ClinVar variation 202742 (VCV000202742.37), dbSNP rs563969986, ClinGen allele CA310146.